The following is an entry in ClinVar:

ClinVar aggregate classification (germline): Uncertain significance (0 of 4 stars; one submission).

Conditions:
IL17RD-related disorder. Also called: IL17RD-related condition.

Allele frequency attached by ClinVar (database versions not stated): TOPMed below 0.00001; ExAC 0.00002; gnomAD 0.00002; ESP Exome Variant Server 0.00008; 1000 Genomes Project 30x 0.00031; 1000 Genomes Project 0.00040.
gnomAD v4.1: 24 of 1,613,278 alleles (0.0015%); highest among the groups gnomAD compares: Admixed American, 0.0033%; no homozygotes.

Submission:

PreventionGenetics, part of Exact Sciences
Classification: Uncertain significance for IL17RD-related condition. Last evaluated: 2024-02-27. Review status: no assertion criteria provided. Collection method: clinical testing. Allele origin: germline.
Comment: The IL17RD c.548G>A variant is predicted to result in the amino acid substitution p.Arg183Gln. To our knowledge, this variant has not been reported in the literature. This variant is reported in 0.0058% of alleles in individuals of Latino descent in gnomAD. At this time, the clinical significance of this variant is uncertain due to the absence of conclusive functional and genetic evidence.

NM_017563.5(IL17RD):c.548G>A (p.Arg183Gln)

Gene: IL17RD (interleukin 17 receptor D; minus strand). Cytogenetic location: 3p14.3.
Variant type: single nucleotide variant.
Coding change: c.548G>A on transcript NM_017563.5 (MANE Select); coding-DNA position 548, G replaced by A.
Protein change: p.Arg183Gln; replaces arginine 183 with glutamine.
Molecular consequence: missense variant.
Genome position (GRCh38, 1-based): chr3:57,109,539, C>T on the plus strand (G>A on the coding strand, the complement: IL17RD is on the minus strand). VCF-style: chr3-57109539-C-T. GRCh37 (hg19) VCF-style: chr3-57143567-C-T.
Other names: c.548G>A, p.Arg183Gln (NM_001080973.1); c.116G>A, p.Arg39Gln (NM_001318864.2); short protein forms R183Q, R39Q.
Identifiers: ClinVar variation 3053638 (VCV003053638.2), dbSNP rs192587822, ClinGen allele CA2463045.